The following is an entry in ClinVar:

NM_006912.6(RIT1):c.577A>T (p.Met193Leu)

Gene: RIT1 (Ras like without CAAX 1; minus strand). Cytogenetic location: 1q22.
Variant type: single nucleotide variant.
Coding change: c.577A>T on transcript NM_006912.6 (MANE Select); coding-DNA position 577, A replaced by T.
Protein change: p.Met193Leu; replaces methionine 193 with leucine.
Molecular consequence: missense variant.
Genome position (GRCh38, 1-based): chr1:155,900,471, T>A on the plus strand (A>T on the coding strand, the complement: RIT1 is on the minus strand). VCF-style: chr1-155900471-T-A. GRCh37 (hg19) VCF-style: chr1-155870262-T-A.
Other names: c.469A>T, p.Met157Leu (NM_001256820.2); c.628A>T, p.Met210Leu (NM_001256821.2); short protein forms M210L, M157L, M193L.
Identifiers: ClinVar variation 3633614 (VCV003633614.2).

ClinVar aggregate classification (germline): Uncertain significance (1 of 4 stars; one submission).

Conditions:
Noonan syndrome 8 (NS8). Identifiers: Orphanet 648, MedGen C3809233, MONDO:0014143, OMIM 615355.

Submission:

Labcorp Genetics (formerly Invitae), Labcorp
Classification: Uncertain significance for Noonan syndrome 8. Last evaluated: 2024-09-05. Review status: criteria provided, single submitter. Criteria: Invitae Variant Classification Sherloc (09022015). Collection method: clinical testing. Allele origin: germline.
Comment: This sequence change replaces methionine, which is neutral and non-polar, with leucine, which is neutral and non-polar, at codon 193 of the RIT1 protein (p.Met193Leu). This variant is not present in population databases (gnomAD no frequency). This variant has not been reported in the literature in individuals affected with RIT1-related conditions. Invitae Evidence Modeling of protein sequence and biophysical properties (such as structural, functional, and spatial information, amino acid conservation, physicochemical variation, residue mobility, and thermodynamic stability) indicates that this missense variant is not expected to disrupt RIT1 protein function with a negative predictive value of 95%. In summary, the available evidence is currently insufficient to determine the role of this variant in disease. Therefore, it has been classified as a Variant of Uncertain Significance.